The following is an entry in ClinVar:

ClinVar aggregate classification (germline): Uncertain significance (1 of 4 stars; one submission).

Conditions:
Congenital myasthenic syndrome 12 (CMS12). Also called: MYASTHENIC SYNDROME, CONGENITAL, WITH TUBULAR AGGREGATES 1; Myasthenia, congenital, 12, with tubular aggregates. Identifiers: Orphanet 353327, Orphanet 590, MedGen C3552335, MONDO:0012518, OMIM 610542.

Submission:

Labcorp Genetics (formerly Invitae), Labcorp
Classification: Uncertain significance for Congenital myasthenic syndrome 12. Last evaluated: 2022-09-07. Review status: criteria provided, single submitter. Criteria: Invitae Variant Classification Sherloc (09022015). Collection method: clinical testing. Allele origin: germline.
Comment: Algorithms developed to predict the effect of missense changes on protein structure and function (SIFT, PolyPhen-2, Align-GVGD) all suggest that this variant is likely to be tolerated. ClinVar contains an entry for this variant (Variation ID: 851903). This variant has not been reported in the literature in individuals affected with GFPT1-related conditions. This variant is not present in population databases (gnomAD no frequency). This sequence change replaces methionine, which is neutral and non-polar, with valine, which is neutral and non-polar, at codon 415 of the GFPT1 protein (p.Met415Val). In summary, the available evidence is currently insufficient to determine the role of this variant in disease. Therefore, it has been classified as a Variant of Uncertain Significance.

NM_001244710.2(GFPT1):c.1243A>G (p.Met415Val)

Gene: GFPT1 (glutamine--fructose-6-phosphate transaminase 1; minus strand). Cytogenetic location: 2p13.3.
Variant type: single nucleotide variant.
Coding change: c.1243A>G on transcript NM_001244710.2 (MANE Select); coding-DNA position 1243, A replaced by G.
Protein change: p.Met415Val; replaces methionine 415 with valine.
Molecular consequence: missense variant.
Genome position (GRCh38, 1-based): chr2:69,338,526, T>C on the plus strand (A>G on the coding strand, the complement: GFPT1 is on the minus strand). VCF-style: chr2-69338526-T-C. GRCh37 (hg19) VCF-style: chr2-69565658-T-C.
Other names: c.1189A>G, p.Met397Val (NM_002056.4); short protein forms M415V, M397V.
Identifiers: ClinVar variation 851903 (VCV000851903.9), dbSNP rs1670858310, ClinGen allele CA347124988.